The following is an entry in ClinVar:

NM_000489.6(ATRX):c.2743A>G (p.Ser915Gly)

Gene: ATRX (ATRX chromatin remodeler; minus strand). Cytogenetic location: Xq21.1.
Variant type: single nucleotide variant.
Coding change: c.2743A>G on transcript NM_000489.6 (MANE Select); coding-DNA position 2743, A replaced by G.
Protein change: p.Ser915Gly; replaces serine 915 with glycine.
Molecular consequence: missense variant.
Genome position (GRCh38, 1-based): chrX:77,682,513, T>C on the plus strand (A>G on the coding strand, the complement: ATRX is on the minus strand). VCF-style: chrX-77682513-T-C. GRCh37 (hg19) VCF-style: chrX-76938005-T-C.
Other names: c.2629A>G, p.Ser877Gly (NM_138270.5); short protein forms S877G, S915G.
Identifiers: ClinVar variation 1316976 (VCV001316976.2), dbSNP rs2071273880, ClinGen allele CA413710719.

ClinVar aggregate classification (germline): Uncertain significance (1 of 4 stars; one submission).

Allele frequency attached by ClinVar (database versions not stated): gnomAD 0.00001; TOPMed 0.00001.
gnomAD v4.1: 1 of 1,209,985 alleles (0.000083%); highest among the groups gnomAD compares: South Asian, 0.0018%; no homozygotes.

Submission:

GeneDx
Classification: Uncertain significance. Last evaluated: 2019-06-12. Review status: criteria provided, single submitter. Criteria: GeneDx Variant Classification Process June 2021. Collection method: clinical testing. Allele origin: germline. Affected: yes.
Comment: Not observed in large population cohorts (Lek et al., 2016); In silico analysis, which includes protein predictors and evolutionary conservation, supports that this variant does not alter protein structure/function. However, in silico splice predictors suggest this variant may impact gene splicing. In the absence of RNA/functional studies, the actual effect of this sequence change is unknown; Has not been previously published as pathogenic or benign to our knowledge